The following is an entry in ClinVar:

ClinVar aggregate classification (germline): Pathogenic (1 of 4 stars; one submission).

Conditions:
Autosomal recessive osteopetrosis 1. Also called: ALBERS-SCHONBERG DISEASE, AUTOSOMAL RECESSIVE; TCIRG1-Related Autosomal Recessive Osteopetrosis; TCIRG1-Related Osteopetrosis. Identifiers: Orphanet 667, MedGen C1850127, MONDO:0009815, OMIM 259700.

Submission:

Myriad Genetics, Inc.
Classification: Pathogenic for Autosomal recessive osteopetrosis 1. Last evaluated: 2024-07-27. Review status: criteria provided, single submitter. Criteria: Myriad Autosomal Dominant, Autosomal Recessive and X-Linked Classification Criteria (2023). Collection method: clinical testing. Allele origin: unknown.
Comment: NM_006019.3(TCIRG1):c.951C>A(C317*) is expected to be pathogenic in the context of autosomal recessive osteopetrosis type 1. This variant is predicted to lead to an abnormal or absent protein product due to the creation of a premature termination codon in TCIRG1, a gene where loss-of-function variants are known to be pathogenic. Please note: this variant was assessed in the context of healthy population screening.

NM_006019.4(TCIRG1):c.951C>A (p.Cys317Ter)

Gene: TCIRG1 (T cell immune regulator 1, ATPase H+ transporting V0 subunit a3; plus strand). Cytogenetic location: 11q13.2.
Variant type: single nucleotide variant.
Coding change: c.951C>A on transcript NM_006019.4 (MANE Select); coding-DNA position 951, C replaced by A.
Protein change: p.Cys317Ter; replaces cysteine 317 with a stop codon.
Molecular consequence: nonsense. On other transcripts: intron variant (4).
Genome position (GRCh38, 1-based): chr11:68,044,275, C>A. VCF-style: chr11-68044275-C-A. GRCh37 (hg19) VCF-style: chr11-67811742-C-A.
Other names: c.57C>A, p.Cys19Ter (NM_001351059.2); c.951C>A, p.Cys317Ter (NM_001440552.1, NM_001440553.1, NM_001440554.1 and 2 more transcripts); c.909C>A, p.Cys303Ter (NM_001440555.1, NM_001440556.1, NM_001440563.1); c.738C>A, p.Cys246Ter (NM_001440561.1, NM_001440562.1, NM_001440566.1 and 1 more transcripts); c.696C>A, p.Cys232Ter (NM_001440564.1); c.651C>A, p.Cys217Ter (NM_001440565.1); c.303C>A, p.Cys101Ter (NM_006053.4); c.807+368C>A (NM_001440559.1, NM_001440560.1); and 2 more; short protein forms C101*, C19*, C217*, C232*, C246*, C303*, C317*.
Identifiers: ClinVar variation 5013378 (VCV005013378.1).